The following is an entry in ClinVar:

NM_001370259.2(MEN1):c.597C>T (p.His199=)

Gene: MEN1 (menin 1; minus strand). Cytogenetic location: 11q13.1.
Variant type: single nucleotide variant.
Coding change: c.597C>T on transcript NM_001370259.2 (MANE Select); coding-DNA position 597, C replaced by T.
Protein change: p.His199=; no amino-acid change (histidine 199 retained).
Molecular consequence: synonymous variant. On other transcripts: intron variant (2).
Genome position (GRCh38, 1-based): chr11:64,807,948, G>A on the plus strand (C>T on the coding strand, the complement: MEN1 is on the minus strand). VCF-style: chr11-64807948-G-A. GRCh37 (hg19) VCF-style: chr11-64575420-G-A.
Other names: c.612C>T, p.His204= (NM_000244.4, NM_130800.3, NM_130801.3 and 3 more transcripts); c.597C>T, p.His199= (NM_001370251.2, NM_001370260.2, NM_001370261.2 and 1 more transcripts); c.549+48C>T (NM_001370263.2, NM_001370262.2).
Identifiers: ClinVar variation 132740 (VCV000132740.44), dbSNP rs150512958, ClinGen allele CA009524.

ClinVar aggregate classification (germline): Benign/Likely benign. Review status: criteria provided, multiple submitters, no conflicts (2 of 4 stars). 14 submissions from 14 submitters: Benign (9); Likely benign (5). Last evaluated 2026-10-01.

Conditions:
Hereditary cancer-predisposing syndrome. Also called: Neoplastic Syndromes, Hereditary; Tumor predisposition; Hereditary neoplastic syndrome; Hereditary Cancer Syndrome. Identifiers: Orphanet 140162, MedGen C0027672, MeSH D009386, MONDO:0015356.
Multiple endocrine neoplasia, type 1 (MEN1). Also called: MEA I; MEN I; WERMER SYNDROME; Endocrine adenomatosis multiple; MEN 1. Identifiers: Orphanet 652, MedGen C0025267, MeSH D018761, MONDO:0007540, OMIM 131100.

Allele frequency attached by ClinVar (database versions not stated): gnomAD exomes 0.00048 and 0.00018; ExAC 0.00059; 1000 Genomes Project 30x 0.00125; 1000 Genomes Project 0.00140; ESP Exome Variant Server 0.00169; gnomAD 0.00170 and 0.00181; TOPMed 0.00215.
gnomAD v4.1: 545 of 1,614,190 alleles (0.034%); highest among the groups gnomAD compares: African/African-American, 0.65%; 5 homozygotes.

Submissions (14):

CeGaT Center for Human Genetics Tuebingen
Classification: Likely benign. Last evaluated: 2026-10-01. Review status: criteria provided, single submitter. Criteria: CeGaT Center For Human Genetics Tuebingen Variant Classification Criteria Version 2. Collection method: clinical testing. Allele origin: germline. Affected: yes. Observed: 3 variant alleles.
Comment: MEN1: BP4, BP7, BS1

Labcorp Genetics (formerly Invitae), Labcorp
Classification: Benign for Multiple endocrine neoplasia, type 1. Last evaluated: 2026-02-04. Review status: criteria provided, single submitter. Criteria: Invitae Variant Classification Sherloc (09022015). Collection method: clinical testing. Allele origin: germline.

KCCC/NGS Laboratory, Kuwait Cancer Control Center
Classification: Benign for Multiple endocrine neoplasia, type 1. Last evaluated: 2025-02-01. Review status: criteria provided, single submitter. Criteria: ACMG Guidelines, 2015. Collection method: clinical testing. Allele origin: germline. Affected: no.

Myriad Genetics, Inc.
Classification: Benign for Multiple endocrine neoplasia, type 1. Last evaluated: 2024-11-01. Review status: criteria provided, single submitter. Criteria: Myriad Autosomal Dominant, Autosomal Recessive and X-Linked Classification Criteria (2023). Collection method: clinical testing. Allele origin: unknown.
Comment: This variant is considered benign. This variant is a silent/synonymous amino acid change and it is not expected to impact splicing.

Blueprint Genetics
Classification: Likely benign. Last evaluated: 2024-07-04. Review status: criteria provided, single submitter. Criteria: ACMG Guidelines, 2015. Collection method: clinical testing. Allele origin: germline.

Color Diagnostics, LLC DBA Color Health
Classification: Benign for Multiple endocrine neoplasia, type 1. Last evaluated: 2022-11-06. Review status: criteria provided, single submitter. Criteria: ACMG Guidelines, 2015. Collection method: clinical testing. Allele origin: germline.

Women's Health and Genetics/Laboratory Corporation of America, LabCorp
Classification: Benign. Last evaluated: 2022-02-14. Review status: criteria provided, single submitter. Criteria: LabCorp Variant Classification Summary - May 2015. Collection method: clinical testing. Allele origin: germline.

ARUP Laboratories, Molecular Genetics and Genomics, ARUP Laboratories
Classification: Benign. Last evaluated: 2021-05-28. Review status: criteria provided, single submitter. Criteria: ARUP Molecular Germline Variant Investigation Process 2021. Collection method: clinical testing. Allele origin: germline.

GeneDx
Classification: Likely benign. Last evaluated: 2021-03-03. Review status: criteria provided, single submitter. Criteria: GeneDx Variant Classification Process June 2021. Collection method: clinical testing. Allele origin: germline. Affected: yes.
Comment: This variant is associated with the following publications: (PMID: 26767918)

Genetic Services Laboratory, University of Chicago
Classification: Benign. Last evaluated: 2021-01-07. Review status: criteria provided, single submitter. Criteria: ACMG Guidelines, 2015. Collection method: clinical testing. Allele origin: germline. Affected: no.

Sema4
Classification: Benign for Hereditary cancer-predisposing syndrome. Last evaluated: 2020-11-12. Review status: criteria provided, single submitter. Criteria: Sema4 Curation Guidelines. Collection method: curation. Allele origin: germline.

Ambry Genetics
Classification: Likely benign for Hereditary cancer-predisposing syndrome. Last evaluated: 2015-04-02. Review status: criteria provided, single submitter. Criteria: Ambry Variant Classification Scheme 2023. Collection method: clinical testing. Allele origin: germline.

Breakthrough Genomics
Classification: Likely benign. Review status: criteria provided, single submitter. Criteria: ACMG Guidelines, 2015. Collection method: not provided. Allele origin: germline. Inheritance: Autosomal dominant inheritance. Affected: yes.

PreventionGenetics, part of Exact Sciences
Classification: Benign. Review status: criteria provided, single submitter. Criteria: ACMG Guidelines, 2015. Collection method: clinical testing. Allele origin: germline.